The following is an entry in ClinVar:

ClinVar aggregate classification (germline): Likely pathogenic (1 of 4 stars; one submission).

Conditions:
MKKS-related disorder. Also called: MKKS-related disorders; MKKS-related condition.

Submission:

PreventionGenetics, part of Exact Sciences
Classification: Likely pathogenic for MKKS-related condition. Last evaluated: 2025-06-23. Review status: criteria provided, single submitter. Criteria: ACMG Guidelines, 2015. Collection method: clinical testing. Allele origin: germline.
Comment: The MKKS c.742_743delTT variant is predicted to result in a frameshift and premature protein termination (p.Leu248Ilefs*6). To our knowledge, this variant has not been reported in the literature or in a large population database (gnomAD), indicating this variant is rare. Frameshift variants in MKKS are expected to be pathogenic. This variant is interpreted as likely pathogenic.

NM_170784.3(MKKS):c.742_743del (p.Leu248fs)

Gene: MKKS (MKKS centrosomal shuttling protein; minus strand). Cytogenetic location: 20p12.2.
Variant type: Deletion.
Coding change: c.742_743del on transcript NM_170784.3 (MANE Select); coding-DNA positions 742 to 743, 2 bases deleted (TT; older notation c.742_743delTT).
Protein change: p.Leu248fs; shifts the reading frame from leucine 248.
Molecular consequence: frameshift variant.
Genome position (GRCh38, 1-based): chr20:10,412,772-10,412,773, AA deleted on the plus strand (TT on the coding strand, the reverse complement: MKKS is on the minus strand); deleting any 2 consecutive bases within chr20:10,412,772-10,412,774 gives the same sequence; the c. name uses the placement nearest the transcript's 3' end. VCF-style (leftmost placement, unchanged base first): chr20-10412771-TAA-T. GRCh37 (hg19) VCF-style: chr20-10393419-TAA-T.
Other names: c.742_743del, p.Leu248fs (NM_018848.3); c.742_743delTT (NM_018848.3); short protein forms L248fs.
Identifiers: ClinVar variation 5001736 (VCV005001736.1).